The following is an entry in ClinVar:

ClinVar aggregate classification (germline): Uncertain significance (1 of 4 stars; one submission).

Conditions:
Benign neonatal seizures. Also called: Convulsions benign familial neonatal dominant form; Autosomal dominant form of benign neonatal seizures; Benign familial neonatal epilepsy; Benign familial neonatal seizures; Benign neonatal familial convulsions. Identifiers: Orphanet 1949, MedGen C0220669, MONDO:0016027.

Submission:

Labcorp Genetics (formerly Invitae), Labcorp
Classification: Uncertain significance for Benign neonatal seizures. Last evaluated: 2025-05-26. Review status: criteria provided, single submitter. Criteria: Invitae Variant Classification Sherloc (09022015). Collection method: clinical testing. Allele origin: germline.
Comment: This sequence change replaces glycine, which is neutral and non-polar, with glutamic acid, which is acidic and polar, at codon 86 of the KCNQ3 protein (p.Gly86Glu). This variant is not present in population databases (gnomAD no frequency). This variant has not been reported in the literature in individuals affected with KCNQ3-related conditions. Invitae Evidence Modeling of protein sequence and biophysical properties (such as structural, functional, and spatial information, amino acid conservation, physicochemical variation, residue mobility, and thermodynamic stability) has been performed for this missense variant. However, the output from this modeling did not meet the statistical confidence thresholds required to predict the impact of this variant on KCNQ3 protein function. In summary, the available evidence is currently insufficient to determine the role of this variant in disease. Therefore, it has been classified as a Variant of Uncertain Significance.

NM_004519.4(KCNQ3):c.257G>A (p.Gly86Glu)

Gene: KCNQ3 (potassium voltage-gated channel subfamily Q member 3; minus strand). Cytogenetic location: 8q24.22.
Variant type: single nucleotide variant.
Coding change: c.257G>A on transcript NM_004519.4 (MANE Select); coding-DNA position 257, G replaced by A.
Protein change: p.Gly86Glu; replaces glycine 86 with glutamic acid.
Molecular consequence: missense variant.
Genome position (GRCh38, 1-based): chr8:132,480,276, C>T on the plus strand (G>A on the coding strand, the complement: KCNQ3 is on the minus strand). VCF-style: chr8-132480276-C-T. GRCh37 (hg19) VCF-style: chr8-133492523-C-T.
Other names: short protein forms G86E.
Identifiers: ClinVar variation 4776115 (VCV004776115.1).